The following is an entry in ClinVar:

ClinVar aggregate classification (germline): Uncertain significance. Review status: criteria provided, multiple submitters, no conflicts (2 of 4 stars). 3 submissions from 3 submitters: Uncertain significance (3). Last evaluated 2024-11-25.

Conditions:
LAMA2-related muscular dystrophy (LAMA2-RD). Also called: Laminin alpha 2-related dystrophy. Identifiers: MedGen C5679788, MONDO:0100228.
Inborn genetic diseases. Identifiers: MedGen C0950123, MeSH D030342.

Allele frequency attached by ClinVar (database versions not stated): gnomAD exomes below 0.00001; gnomAD 0.00001; TOPMed 0.00002.
gnomAD v4.1: 7 of 1,613,912 alleles (0.00043%); highest among the groups gnomAD compares: Non-Finnish European, 0.00059%; no homozygotes.

Submissions (3):

Ambry Genetics
Classification: Uncertain significance for Inborn genetic diseases. Last evaluated: 2024-11-25. Review status: criteria provided, single submitter. Criteria: Ambry Variant Classification Scheme 2023. Collection method: clinical testing. Allele origin: germline.

Labcorp Genetics (formerly Invitae), Labcorp
Classification: Uncertain significance for LAMA2-related muscular dystrophy. Last evaluated: 2022-04-01. Review status: criteria provided, single submitter. Criteria: Invitae Variant Classification Sherloc (09022015). Collection method: clinical testing. Allele origin: germline.
Comment: This sequence change replaces serine, which is neutral and polar, with arginine, which is basic and polar, at codon 541 of the LAMA2 protein (p.Ser541Arg). This variant is not present in population databases (gnomAD no frequency). This variant has not been reported in the literature in individuals affected with LAMA2-related conditions. Advanced modeling of protein sequence and biophysical properties (such as structural, functional, and spatial information, amino acid conservation, physicochemical variation, residue mobility, and thermodynamic stability) performed at Invitae indicates that this missense variant is not expected to disrupt LAMA2 protein function. In summary, the available evidence is currently insufficient to determine the role of this variant in disease. Therefore, it has been classified as a Variant of Uncertain Significance.

Athena Diagnostics
Classification: Uncertain significance. Last evaluated: 2021-09-23. Review status: criteria provided, single submitter. Criteria: Athena Diagnostics Criteria. Collection method: clinical testing. Allele origin: unknown.

NM_000426.4(LAMA2):c.1623T>A (p.Ser541Arg)

Gene: LAMA2 (laminin subunit alpha 2; plus strand). Cytogenetic location: 6q22.33.
Variant type: single nucleotide variant.
Coding change: c.1623T>A on transcript NM_000426.4 (MANE Select); coding-DNA position 1623, T replaced by A.
Protein change: p.Ser541Arg; replaces serine 541 with arginine.
Molecular consequence: missense variant.
Genome position (GRCh38, 1-based): chr6:129,192,694, T>A. VCF-style: chr6-129192694-T-A. GRCh37 (hg19) VCF-style: chr6-129513839-T-A.
Other names: c.1623T>A, p.Ser541Arg (NM_001079823.2); short protein forms S541R.
Identifiers: ClinVar variation 1807348 (VCV001807348.4), dbSNP rs1344650184, ClinGen allele CA365608121.
Genomic context (GRCh38, chr6:129,192,694, plus strand): 5'-ATAGATATTTTTTAAAAATTAATGATGACTGTGTGTTTTCTCTAAGATACAAGATATGAG[T>A]GGCTGGTATCTGACTGACCTTCCTGGCCGCATTCGAGTGGCTCCCCAGCAGGACGACTTG-3'
Protein context (NP_000417.3, residues 531-551): YWTYGKIQDM[Ser541Arg]GWYLTDLPGR